The following is an entry in ClinVar:

ClinVar aggregate classification (germline): Pathogenic. Review status: criteria provided, multiple submitters, no conflicts (2 of 4 stars). 5 submissions from 5 submitters: Pathogenic (3). 2 of the submissions do not count toward it. Last evaluated 2025-06-20.

Conditions:
Primary hyperoxaluria type 3. Also called: PH III. Identifiers: Orphanet 416, Orphanet 93600, MedGen C3150878, MONDO:0013327, OMIM 613616. Disease mechanism: loss of function.

Allele frequency attached by ClinVar (database versions not stated): gnomAD exomes below 0.00001; TOPMed below 0.00001.
gnomAD v4.1: 4 of 1,613,160 alleles (0.00025%); highest among the groups gnomAD compares: Non-Finnish European, 0.00034%; no homozygotes.

Submissions (5):

Natera, Inc.
Classification: Pathogenic for Primary hyperoxaluria type III. Last evaluated: 2025-06-20. Review status: criteria provided, single submitter. Criteria: Natera Variant Classification Schema (03/2026). Collection method: clinical testing. Allele origin: germline.
Comment: The c.346C>T variant in HOGA1 is a nonsense variant predicted to introduce a stop codon at amino acid 116. This variant is expected to result in nonsense mediated decay, truncation, or a dysfunctional protein product. This variant is rare in the general population with a frequency below the threshold expected for the associated phenotype(s). This variant has been observed in one or more individuals affected with the associated recessive disease, as either homozygous or compound heterozygous with a second variant (PMID: 22781098). Given the available evidence, this variant is classified as Pathogenic.

Fulgent Genetics
Classification: Pathogenic for Primary hyperoxaluria type 3. Last evaluated: 2024-05-07. Review status: criteria provided, single submitter. Criteria: ACMG Guidelines, 2015. Collection method: clinical testing. Allele origin: germline.

Labcorp Genetics (formerly Invitae), Labcorp
Classification: Pathogenic. Last evaluated: 2023-10-15. Review status: criteria provided, single submitter. Criteria: Invitae Variant Classification Sherloc (09022015). Collection method: clinical testing. Allele origin: germline.
Comment: This sequence change creates a premature translational stop signal (p.Gln116*) in the HOGA1 gene. It is expected to result in an absent or disrupted protein product. Loss-of-function variants in HOGA1 are known to be pathogenic (PMID: 22391140, 22781098). This variant is present in population databases (no rsID available, gnomAD 0.006%). This premature translational stop signal has been observed in individual(s) with primary hyperoxaluria (PMID: 22781098). ClinVar contains an entry for this variant (Variation ID: 204271). Algorithms developed to predict the effect of variants on protein structure and function are not available or were not evaluated for this variant. Experimental studies have shown that this premature translational stop signal affects HOGA1 function (PMID: 22781098). For these reasons, this variant has been classified as Pathogenic.

Chinese Inherited Urolithiasis Consortium, The Affiliated Yantai Yuhuangding Hospital of Qingdao University
Classification: Pathogenic for Primary hyperoxaluria type 3. Last evaluated: 2024-08-26. Review status: no assertion criteria provided. Collection method: clinical testing. Allele origin: paternal. Affected: yes. Observed: 1 variant allele. Not counted in ClinVar's aggregate classification.

Clinical Biochemistry Laboratory, Health Services Laboratory
Classification: Pathogenic for Primary hyperoxaluria, type III. Last evaluated: 2014-11-27. Review status: no assertion criteria provided. Collection method: research. Allele origin: germline. Affected: yes. Not counted in ClinVar's aggregate classification.

Literature cited by the submitters: PubMed 22781098 (cited by 3 submitters); PubMed 22391140 (cited by Labcorp Genetics (formerly Invitae), Labcorp).

NM_138413.4(HOGA1):c.346C>T (p.Gln116Ter)

Gene: HOGA1 (4-hydroxy-2-oxoglutarate aldolase 1; plus strand). Cytogenetic location: 10q24.2.
Variant type: single nucleotide variant.
Coding change: c.346C>T on transcript NM_138413.4 (MANE Select); coding-DNA position 346, C replaced by T.
Protein change: p.Gln116Ter; replaces glutamine 116 with a stop codon.
Molecular consequence: nonsense. On other transcripts: intron variant (1).
Genome position (GRCh38, 1-based): chr10:97,599,094, C>T. VCF-style: chr10-97599094-C-T. GRCh37 (hg19) VCF-style: chr10-99358851-C-T.
Other names: c.212-2763C>T (NM_001134670.2); short protein forms Q116*.
Identifiers: ClinVar variation 204271 (VCV000204271.16), dbSNP rs767405535, ClinGen allele CA203950.